The following is an entry in ClinVar:

ClinVar aggregate classification (germline): Uncertain significance. Review status: criteria provided, multiple submitters, no conflicts (2 of 4 stars). 4 submissions from 4 submitters: Uncertain significance (3). 1 of the submissions does not count toward it. Last evaluated 2025-07-09.

Conditions:
Retinal dystrophy. Also called: Inherited retinal dystrophy. Identifiers: Orphanet 71862, MedGen C0854723, MeSH D058499, MONDO:0019118, HP:0000556.
RP1L1-related disorder. Also called: RP1L1-related condition.

Allele frequency attached by ClinVar (database versions not stated): gnomAD 0.00001; gnomAD exomes 0.00002; ExAC 0.00005.
gnomAD v4.1: 30 of 1,611,618 alleles (0.0019%); highest among the groups gnomAD compares: East Asian, 0.051%; no homozygotes.

Submissions (4):

PreventionGenetics, part of Exact Sciences
Classification: Uncertain significance for RP1L1-related condition. Last evaluated: 2025-07-09. Review status: criteria provided, single submitter. Criteria: ACMG Guidelines, 2015. Collection method: clinical testing. Allele origin: germline.
Comment: The RP1L1 c.1286C>A variant is predicted to result in the amino acid substitution p.Ala429Asp. To our knowledge, this variant has not been reported in the literature. This variant is reported in 0.036% of alleles in individuals of East Asian descent in gnomAD. At this time, the clinical significance of this variant is uncertain due to the absence of conclusive functional and genetic evidence.

Dept Of Ophthalmology, Nagoya University
Classification: Uncertain significance for Retinal dystrophy. Last evaluated: 2023-10-01. Review status: criteria provided, single submitter. Criteria: Submitter's publication. Collection method: research. Allele origin: germline. Affected: yes.

Blueprint Genetics
Classification: Uncertain significance. Last evaluated: 2023-04-17. Review status: criteria provided, single submitter. Criteria: ACMG Guidelines, 2015. Collection method: clinical testing. Allele origin: germline.

Institute of Human Genetics, Univ. Regensburg, Univ. Regensburg
Classification: Uncertain significance for Retinal dystrophy. Last evaluated: 2023-01-01. Review status: no assertion criteria provided. Criteria: ACMG Guidelines, 2015. Collection method: clinical testing. Allele origin: germline. Affected: yes. Not counted in ClinVar's aggregate classification.

NM_178857.6(RP1L1):c.1286C>A (p.Ala429Asp)

Gene: RP1L1 (RP1 like 1). Cytogenetic location: 8p23.1.
Variant type: single nucleotide variant.
Coding change: c.1286C>A on transcript NM_178857.6 (MANE Select); coding-DNA position 1286, C replaced by A.
Protein change: p.Ala429Asp; replaces alanine 429 with aspartic acid.
Molecular consequence: missense variant.
Genome position (GRCh38, 1-based): chr8:10,612,812, G>T on the plus strand (C>A on the coding strand, the complement: RP1L1 is on the minus strand). VCF-style: chr8-10612812-G-T. GRCh37 (hg19) VCF-style: chr8-10470322-G-T.
Other names: c.1286C>A (NM_178857.5); short protein forms A429D.
Identifiers: ClinVar variation 3028050 (VCV003028050.4), dbSNP rs747781124, ClinGen allele CA4625238.